The following is an entry in ClinVar:

ClinVar aggregate classification (germline): Uncertain significance (1 of 4 stars; one submission).

Conditions:
Neutrophil immunodeficiency syndrome. Also called: Immunodeficiency 73A with defective neutrophil chemotaxis and leukocytosis. Identifiers: Orphanet 183707, MedGen C1842398, MONDO:0011988, OMIM 608203.

Submission:

Labcorp Genetics (formerly Invitae), Labcorp
Classification: Uncertain significance for Neutrophil immunodeficiency syndrome. Last evaluated: 2026-01-24. Review status: criteria provided, single submitter. Criteria: Invitae Variant Classification Sherloc (09022015). Collection method: clinical testing. Allele origin: germline.
Comment: This sequence change creates a premature translational stop signal (p.Val7Glyfs*30) in the RAC2 gene. It is expected to result in an absent or disrupted protein product. However, the current clinical and genetic evidence is not sufficient to establish whether loss-of-function variants in RAC2 cause disease. This variant is not present in population databases (gnomAD no frequency). This variant has not been reported in the literature in individuals affected with RAC2-related conditions. In summary, the available evidence is currently insufficient to determine the role of this variant in disease. Therefore, it has been classified as a Variant of Uncertain Significance.

NM_002872.5(RAC2):c.20_24del (p.Val7fs)

Genes: RAC2 (Rac family small GTPase 2; minus strand), LOC130067357 (ATAC-STARR-seq lymphoblastoid active region 18957; plus strand). Cytogenetic location: 22q13.1.
Variant type: Deletion.
Coding change: c.20_24del on transcript NM_002872.5 (MANE Select); coding-DNA positions 20 to 24, 5 bases deleted (TGGTG; older notation c.20_24delTGGTG).
Protein change: p.Val7fs; shifts the reading frame from valine 7.
Molecular consequence: frameshift variant.
Genome position (GRCh38, 1-based): chr22:37,244,125-37,244,129, CACCA deleted on the plus strand (TGGTG on the coding strand, the reverse complement: RAC2 is on the minus strand); deleting any 5 consecutive bases within chr22:37,244,125-37,244,132 gives the same sequence; the c. name uses the placement nearest the transcript's 3' end. VCF-style (leftmost placement, unchanged base first): chr22-37244124-CCACCA-C. GRCh37 (hg19) VCF-style: chr22-37640164-CCACCA-C.
Other names: short protein forms V7fs.
Identifiers: ClinVar variation 4735673 (VCV004735673.1).